The following is an entry in ClinVar:

ClinVar aggregate classification (germline): Pathogenic/Likely pathogenic. Review status: criteria provided, multiple submitters, no conflicts (2 of 4 stars). 2 submissions from 2 submitters: Pathogenic (1); Likely pathogenic (1). Last evaluated 2022-08-10.

Conditions:
CNGA1-related disorder. Also called: CNGA1-related condition.

Submissions (2):

Labcorp Genetics (formerly Invitae), Labcorp
Classification: Pathogenic. Last evaluated: 2022-08-10. Review status: criteria provided, single submitter. Criteria: Invitae Variant Classification Sherloc (09022015). Collection method: clinical testing. Allele origin: germline.
Comment: This sequence change creates a premature translational stop signal (p.Val477Glyfs*6) in the CNGA1 gene. While this is not anticipated to result in nonsense mediated decay, it is expected to disrupt the last 214 amino acid(s) of the CNGA1 protein. This variant is not present in population databases (gnomAD no frequency). This variant has not been reported in the literature in individuals affected with CNGA1-related conditions. ClinVar contains an entry for this variant (Variation ID: 1454947). This variant disrupts a region of the CNGA1 protein in which other variant(s) (p.Arg658Aspfs*2) have been determined to be pathogenic (PMID: 7479749). This suggests that this is a clinically significant region of the protein, and that variants that disrupt it are likely to be disease-causing. For these reasons, this variant has been classified as Pathogenic.

Blueprint Genetics
Classification: Likely pathogenic for CNGA1-related disorders. Last evaluated: 2021-11-30. Review status: criteria provided, single submitter. Criteria: ACMG Guidelines, 2015. Collection method: clinical testing. Allele origin: germline. Affected: yes. Observed: 1 variant allele.

Literature cited by the submitters: PubMed 7479749 (cited by Labcorp Genetics (formerly Invitae), Labcorp).

NM_001379270.1(CNGA1):c.1415dup (p.Val473fs)

Genes: CNGA1 (cyclic nucleotide gated channel subunit alpha 1; minus strand), LOC101927157 (uncharacterized LOC101927157; plus strand). Cytogenetic location: 4p12.
Variant type: Duplication.
Coding change: c.1415dup on transcript NM_001379270.1 (MANE Select); coding-DNA position 1415, one base duplicated (A; older notation c.1415dupA).
Protein change: p.Val473fs; shifts the reading frame from valine 473.
Molecular consequence: frameshift variant.
Genome position (GRCh38, 1-based): chr4:47,937,067, T duplicated on the plus strand (A on the coding strand, the reverse complement: CNGA1 is on the minus strand); the first of 6 consecutive T bases (chr4:47,937,067-47,937,072); duplicating any one gives the same sequence. VCF-style (leftmost placement, unchanged base first): chr4-47937066-C-CT. GRCh37 (hg19) VCF-style: chr4-47939083-C-CT.
Other names: c.1415dup, p.Val473fs (NM_000087.5, NM_001142564.2); short protein forms V473fs.
Identifiers: ClinVar variation 1454947 (VCV001454947.7), dbSNP rs2110128608, ClinGen allele CA2573137699.